The following is an entry in ClinVar:

ClinVar aggregate classification (germline): Likely pathogenic (1 of 4 stars; one submission).

Conditions:
Deficiency of isobutyryl-CoA dehydrogenase. Also called: ACAD8 DEFICIENCY; ACYL-CoA DEHYDROGENASE FAMILY, MEMBER 8, DEFICIENCY OF; IBD DEFICIENCY. Identifiers: Orphanet 79159, MedGen C1969809, MONDO:0012648, OMIM 611283.

Allele frequency attached by ClinVar (database versions not stated): ExAC 0.00004.

Submission:

Labcorp Genetics (formerly Invitae), Labcorp
Classification: Likely pathogenic for Deficiency of isobutyryl-CoA dehydrogenase. Last evaluated: 2025-06-18. Review status: criteria provided, single submitter. Criteria: Invitae Variant Classification Sherloc (09022015). Collection method: clinical testing. Allele origin: germline.
Comment: This sequence change affects the initiator codon of the ACAD8 mRNA. This change may impact translation initiation or efficiency. The next in-frame methionine is located at codon 39. The frequency data for this variant in the population databases is considered unreliable, as metrics indicate poor data quality at this position in the gnomAD database. Disruption of the initiator codon has been observed in individual(s) with clinical features of isobutyryl-CoA dehydrogenase deficiency (PMID: 17924841, 24635911, 30626930). In at least one individual the data is consistent with being in trans (on the opposite chromosome) from a pathogenic variant. ClinVar contains an entry for this variant (Variation ID: 2998335). In summary, the currently available evidence indicates that the variant is pathogenic, but additional data are needed to prove that conclusively. Therefore, this variant has been classified as Likely Pathogenic.

Literature cited by the submitters: PubMed 17924841; PubMed 24635911; PubMed 30626930.

NM_014384.3(ACAD8):c.1A>G (p.Met1Val)

Gene: ACAD8 (acyl-CoA dehydrogenase family member 8; plus strand). Cytogenetic location: 11q25.
Variant type: single nucleotide variant.
Coding change: c.1A>G on transcript NM_014384.3 (MANE Select); coding-DNA position 1, A replaced by G.
Protein change: p.Met1Val; changes the start codon (methionine 1).
Molecular consequence: missense variant, initiator codon variant.
Genome position (GRCh38, 1-based): chr11:134,253,601, A>G. VCF-style: chr11-134253601-A-G. GRCh37 (hg19) VCF-style: chr11-134123495-A-G.
Other names: short protein forms M1V.
Identifiers: ClinVar variation 2998335 (VCV002998335.3), dbSNP rs763520594, ClinGen allele CA6372798.